The following is an entry in ClinVar:

NM_138370.3(PKDCC):c.304C>G (p.Pro102Ala)

Gene: PKDCC (protein kinase domain containing, cytoplasmic; plus strand). Cytogenetic location: 2p21.
Variant type: single nucleotide variant.
Coding change: c.304C>G on transcript NM_138370.3 (MANE Select); coding-DNA position 304, C replaced by G.
Protein change: p.Pro102Ala; replaces proline 102 with alanine.
Molecular consequence: missense variant.
Genome position (GRCh38, 1-based): chr2:42,048,503, C>G. VCF-style: chr2-42048503-C-G. GRCh37 (hg19) VCF-style: chr2-42275643-C-G.
Other names: c.304C>G (NM_138370.2); short protein forms P102A.
Identifiers: ClinVar variation 1406247 (VCV001406247.14), dbSNP rs534596867, ClinGen allele CA11113493.
Genomic context (GRCh38, chr2:42,048,503, plus strand): 5'-CCGGAGCGGCGGCGCCTGATGGACCTGGCTCCGGGCGGGCCCGGCCTGCCGCGCCCCCGG[C>G]CCCCTTGGGCCCGGCCCCTGTCCGACGGCGCCCCAGGCTGGCCCCCGGCTCCCGGCCCAG-3'
Protein context (NP_612379.2, residues 92-112): PGGPGLPRPR[Pro102Ala]PWARPLSDGA

ClinVar aggregate classification (germline): Conflicting classifications of pathogenicity. Review status: criteria provided, conflicting classifications (1 of 4 stars). 5 submissions from 5 submitters: Uncertain significance (3); Likely benign (1). 1 of the submissions does not count toward it. Last evaluated 2026-07-01.

Conditions:
Skeletal dysplasia. Also called: Primary bone dysplasia. Identifiers: Orphanet 364526, MedGen C0410528, MONDO:0018230, HP:0002652.
Inborn genetic diseases. Identifiers: MedGen C0950123, MeSH D030342.
PKDCC-related disorder. Also called: PKDCC-related condition.

Allele frequency attached by ClinVar (database versions not stated): 1000 Genomes Project 0.00060; 1000 Genomes Project 30x 0.00156; TOPMed 0.00308; gnomAD 0.00356 and 0.00367; gnomAD exomes 0.02013.
gnomAD v4.1: 6,985 of 1,086,786 alleles (0.64%); highest among the groups gnomAD compares: Non-Finnish European, 0.74%; 22 homozygotes.

Submissions (5):

CeGaT Center for Human Genetics Tuebingen
Classification: Likely benign. Last evaluated: 2026-07-01. Review status: criteria provided, single submitter. Criteria: CeGaT Center For Human Genetics Tuebingen Variant Classification Criteria Version 2. Collection method: clinical testing. Allele origin: germline. Affected: yes. Observed: 3 variant alleles.
Comment: PKDCC: BS2

Ambry Genetics
Classification: Uncertain significance for Inborn genetic diseases. Last evaluated: 2025-03-20. Review status: criteria provided, single submitter. Criteria: Ambry Variant Classification Scheme 2023. Collection method: clinical testing. Allele origin: germline.

Labcorp Genetics (formerly Invitae), Labcorp
Classification: Uncertain significance. Last evaluated: 2022-10-07. Review status: criteria provided, single submitter. Criteria: Invitae Variant Classification Sherloc (09022015). Collection method: clinical testing. Allele origin: germline.
Comment: This sequence change replaces proline, which is neutral and non-polar, with alanine, which is neutral and non-polar, at codon 102 of the PKDCC protein (p.Pro102Ala). The frequency data for this variant in the population databases is considered unreliable, as metrics indicate poor data quality at this position in the gnomAD database. This variant has not been reported in the literature in individuals affected with PKDCC-related conditions. ClinVar contains an entry for this variant (Variation ID: 1406247). Algorithms developed to predict the effect of missense changes on protein structure and function are either unavailable or do not agree on the potential impact of this missense change (SIFT: "Deleterious"; PolyPhen-2: "Benign"; Align-GVGD: "Class C0"). In summary, the available evidence is currently insufficient to determine the role of this variant in disease. Therefore, it has been classified as a Variant of Uncertain Significance.

Breakthrough Genomics
Classification: Uncertain significance. Review status: criteria provided, single submitter. Criteria: ACMG Guidelines, 2015. Collection method: not provided. Allele origin: germline. Inheritance: Autosomal recessive inheritance. Affected: yes.

PreventionGenetics, part of Exact Sciences
Classification: Likely benign for PKDCC-related condition. Last evaluated: 2023-07-27. Review status: no assertion criteria provided. Collection method: clinical testing. Allele origin: germline. Not counted in ClinVar's aggregate classification.
Comment: This variant is classified as likely benign based on ACMG/AMP sequence variant interpretation guidelines (Richards et al. 2015 PMID: 25741868, with internal and published modifications).